The following is an entry in ClinVar:

NM_000083.3(CLCN1):c.26G>C (p.Arg9Pro)

Gene: CLCN1 (chloride voltage-gated channel 1; plus strand). Cytogenetic location: 7q34.
Variant type: single nucleotide variant.
Coding change: c.26G>C on transcript NM_000083.3 (MANE Select); coding-DNA position 26, G replaced by C.
Protein change: p.Arg9Pro; replaces arginine 9 with proline.
Molecular consequence: missense variant. On other transcripts: non-coding transcript variant (1).
Genome position (GRCh38, 1-based): chr7:143,316,238, G>C. VCF-style: chr7-143316238-G-C. GRCh37 (hg19) VCF-style: chr7-143013331-G-C.
Other names: short protein forms R9P.
Identifiers: ClinVar variation 3753085 (VCV003753085.2).

ClinVar aggregate classification (germline): Uncertain significance (1 of 4 stars; one submission).

Conditions:
Congenital myotonia, autosomal dominant form (THD). Also called: THOMSEN DISEASE; Myotonia congenita autosomal dominant. Identifiers: Orphanet 614, MedGen C2936781, MONDO:0008055, OMIM 160800.
Congenital myotonia, autosomal recessive form. Also called: Becker Generalized Myotonia; myotonia congenita, autosomal recessive; BECKER DISEASE. Identifiers: Orphanet 614, MedGen C0751360, MONDO:0009715, OMIM 255700.

gnomAD v4.1: 7 of 1,613,656 alleles (0.00043%); highest among the groups gnomAD compares: Non-Finnish European, 0.00059%; no homozygotes.

Submission:

Labcorp Genetics (formerly Invitae), Labcorp
Classification: Uncertain significance for Congenital myotonia, autosomal recessive form; Congenital myotonia, autosomal dominant form. Last evaluated: 2024-01-26. Review status: criteria provided, single submitter. Criteria: Invitae Variant Classification Sherloc (09022015). Collection method: clinical testing. Allele origin: germline.
Comment: This sequence change replaces arginine, which is basic and polar, with proline, which is neutral and non-polar, at codon 9 of the CLCN1 protein (p.Arg9Pro). This variant is not present in population databases (gnomAD no frequency). This missense change has been observed in individual(s) with clinical features of myotonia congenita (PMID: 10737121). Advanced modeling of protein sequence and biophysical properties (such as structural, functional, and spatial information, amino acid conservation, physicochemical variation, residue mobility, and thermodynamic stability) performed at Invitae indicates that this missense variant is not expected to disrupt CLCN1 protein function with a negative predictive value of 95%. In summary, the available evidence is currently insufficient to determine the role of this variant in disease. Therefore, it has been classified as a Variant of Uncertain Significance.

Literature cited by the submitters: PubMed 10737121.